The following is an entry in ClinVar:

NM_138576.4(BCL11B):c.860A>G (p.Asn287Ser)

Gene: BCL11B (BCL11 transcription factor B; minus strand). Cytogenetic location: 14q32.2.
Variant type: single nucleotide variant.
Coding change: c.860A>G on transcript NM_138576.4 (MANE Select); coding-DNA position 860, A replaced by G.
Protein change: p.Asn287Ser; replaces asparagine 287 with serine.
Molecular consequence: missense variant.
Genome position (GRCh38, 1-based): chr14:99,175,976, T>C on the plus strand (A>G on the coding strand, the complement: BCL11B is on the minus strand). VCF-style: chr14-99175976-T-C. GRCh37 (hg19) VCF-style: chr14-99642313-T-C.
Other names: c.857A>G, p.Asn286Ser (NM_001282237.2); c.644A>G, p.Asn215Ser (NM_001282238.2); c.647A>G, p.Asn216Ser (NM_022898.3); short protein forms N215S, N216S, N286S, N287S.
Identifiers: ClinVar variation 4798139 (VCV004798139.1).

ClinVar aggregate classification (germline): Uncertain significance (1 of 4 stars; one submission).

gnomAD v4.1: 3 of 1,499,814 alleles (0.0002%); highest among the groups gnomAD compares: Non-Finnish European, 0.00027%; no homozygotes.

Submission:

Labcorp Genetics (formerly Invitae), Labcorp
Classification: Uncertain significance. Last evaluated: 2025-04-10. Review status: criteria provided, single submitter. Criteria: Invitae Variant Classification Sherloc (09022015). Collection method: clinical testing. Allele origin: germline.
Comment: This sequence change replaces asparagine, which is neutral and polar, with serine, which is neutral and polar, at codon 287 of the BCL11B protein (p.Asn287Ser). This variant is not present in population databases (gnomAD no frequency). This variant has not been reported in the literature in individuals affected with BCL11B-related conditions. Invitae Evidence Modeling of protein sequence and biophysical properties (such as structural, functional, and spatial information, amino acid conservation, physicochemical variation, residue mobility, and thermodynamic stability) indicates that this missense variant is not expected to disrupt BCL11B protein function with a negative predictive value of 95%. In summary, the available evidence is currently insufficient to determine the role of this variant in disease. Therefore, it has been classified as a Variant of Uncertain Significance.